The following is an entry in ClinVar:

NM_000069.3(CACNA1S):c.124A>T (p.Lys42Ter)

Gene: CACNA1S (calcium voltage-gated channel subunit alpha1 S; minus strand). Cytogenetic location: 1q32.1.
Variant type: single nucleotide variant.
Coding change: c.124A>T on transcript NM_000069.3 (MANE Select); coding-DNA position 124, A replaced by T.
Protein change: p.Lys42Ter; replaces lysine 42 with a stop codon.
Molecular consequence: nonsense.
Genome position (GRCh38, 1-based): chr1:201,112,216, T>A on the plus strand (A>T on the coding strand, the complement: CACNA1S is on the minus strand). VCF-style: chr1-201112216-T-A. GRCh37 (hg19) VCF-style: chr1-201081344-T-A.
Other names: short protein forms K42*.
Identifiers: ClinVar variation 2930236 (VCV002930236.4), dbSNP rs1553254275, ClinGen allele CA344157756.

ClinVar aggregate classification (germline): Pathogenic. Review status: criteria provided, multiple submitters, no conflicts (2 of 4 stars). 2 submissions from 2 submitters: Pathogenic (2). Last evaluated 2025-09-11.

Conditions:
Malignant hyperthermia, susceptibility to, 5 (MHS5). Also called: CACNA1S-Related Malignant Hyperthermia Susceptibility. Identifiers: Orphanet 423, MedGen C1866077, MONDO:0011163, OMIM 601887.
Hypokalemic periodic paralysis, type 1. Also called: Hypokalemic Periodic Paralysis Type 1 (AD); HypoPP. Identifiers: Orphanet 681, MedGen C3714580, MONDO:0042979, OMIM 170400.
Congenital myopathy 18. Also called: Myopathy, congenital, due to dihydropyridine receptor defect; DIHYDROPYRIDINE RECEPTOR CONGENITAL MYOPATHY; DHPR CONGENITAL MYOPATHY. Identifiers: MedGen C5830283, MONDO:0859514, OMIM 620246.

Allele frequency attached by ClinVar (database versions not stated): gnomAD exomes below 0.00001.
gnomAD v4.1: 1 of 1,613,648 alleles (0.000062%); highest among the groups gnomAD compares: Non-Finnish European, 0.000085%; no homozygotes.

Submissions (2):

Women's Health and Genetics/Laboratory Corporation of America, LabCorp
Classification: Pathogenic for Congenital myopathy 18. Last evaluated: 2025-09-11. Review status: criteria provided, single submitter. Criteria: LabCorp Variant Classification Summary - May 2015. Collection method: clinical testing. Allele origin: germline.
Comment: Variant summary: CACNA1S c.124A>T (p.Lys42X) results in a premature termination codon, predicted to cause absence of the protein due to nonsense mediated decay, which is a commonly known mechanism for disease. The variant was absent in 251442 control chromosomes. To our knowledge, no occurrence of c.124A>T in individuals affected with CACNA1S-related conditions and no experimental evidence demonstrating its impact on protein function have been reported. ClinVar contains an entry for this variant (Variation ID: 2930236). Based on the evidence outlined above, the variant was classified as pathogenic.

Labcorp Genetics (formerly Invitae), Labcorp
Classification: Pathogenic for Hypokalemic periodic paralysis, type 1; Malignant hyperthermia, susceptibility to, 5. Last evaluated: 2023-03-24. Review status: criteria provided, single submitter. Criteria: Invitae Variant Classification Sherloc (09022015). Collection method: clinical testing. Allele origin: germline.
Comment: This variant has not been reported in the literature in individuals affected with CACNA1S-related conditions. For these reasons, this variant has been classified as Pathogenic. Algorithms developed to predict the effect of sequence changes on RNA splicing suggest that this variant may disrupt the consensus splice site. This variant is not present in population databases (gnomAD no frequency). This sequence change creates a premature translational stop signal (p.Lys42*) in the CACNA1S gene. It is expected to result in an absent or disrupted protein product. Loss-of-function variants in CACNA1S are known to be pathogenic (PMID: 26247046, 28012042).

Literature cited by the submitters: PubMed 26247046 (cited by Labcorp Genetics (formerly Invitae), Labcorp); PubMed 28012042 (cited by Labcorp Genetics (formerly Invitae), Labcorp).